The following is an entry in ClinVar:

NC_000017.11:g.(?_43067602)_(43124102_?)del

Genes: BRCA1 (BRCA1 DNA repair associated; minus strand), LOC111589216 (BRCA1 intron 2 regulatory region; plus strand), LOC110485084 (BRCA1 intronic recombination region; plus strand), LOC126862571 (BRD4-independent group 4 enhancer GRCh37_chr17:41243136-41244335; plus strand). Cytogenetic location: 17q21.31.
Variant type: Deletion.
Identifiers: ClinVar variation 462194 (VCV000462194.3).

ClinVar aggregate classification (germline): Pathogenic (1 of 4 stars; one submission).

Conditions:
Hereditary breast ovarian cancer syndrome. Also called: Hereditary breast and ovarian cancer syndrome (HBOC); Hereditary breast and ovarian cancer syndrome; Breast and ovarian cancer; Hereditary breast and/or ovarian cancer syndrome; Hereditary breast and ovarian cancer; BRCA1- and BRCA2-Associated Hereditary Breast and Ovarian Cancer. Identifiers: Orphanet 145, MedGen C0677776, MeSH D061325, MONDO:0003582. Disease mechanism: loss of function.

Submission:

Labcorp Genetics (formerly Invitae), Labcorp
Classification: Pathogenic for Hereditary breast ovarian cancer syndrome. Last evaluated: 2017-08-16. Review status: criteria provided, single submitter. Criteria: Invitae Variant Classification Sherloc (09022015). Collection method: clinical testing. Allele origin: germline.
Comment: For these reasons, this variant has been classified as Pathogenic. Loss-of-function variants in BRCA1 are known to be pathogenic. Similar subgenic deletions encompassing at least exons 2-16 of the BRCA1 gene (also known as exons 2-17 in the literature) have been reported in individuals affected with breast and/or ovarian cancer (PMID: 15475941, 18330910). This variant is a gross deletion of the genomic region encompassing exons 2-16 of the BRCA1 gene, which includes the initiator codon. The 5' end of this event is unknown as it extends beyond the assayed region for this gene and therefore may encompass additional genes. The 3' boundary is likely confined to intron 16 of the BRCA1 gene. This is expected to result in an absent or disrupted protein product.

Literature cited by the submitters: PubMed 15475941; PubMed 18330910.